The following is an entry in ClinVar:

ClinVar aggregate classification (germline): Uncertain significance (1 of 4 stars; one submission).

Conditions:
Developmental and epileptic encephalopathy, 65. Also called: EPILEPTIC ENCEPHALOPATHY, EARLY INFANTILE, 65. Identifiers: MedGen C4693925, MONDO:0033374, OMIM 618008.

Submission:

Laboratorio de Genetica e Diagnostico Molecular, Hospital Israelita Albert Einstein
Classification: Uncertain significance for Developmental and epileptic encephalopathy, 65. Last evaluated: 2024-09-06. Review status: criteria provided, single submitter. Criteria: ACMG Guidelines, 2015. Collection method: clinical testing. Allele origin: germline. Affected: yes.
Comment: ACMG classification criteria: PM2 supporting, PP2 supporting

NM_001037333.3(CYFIP2):c.1918G>C (p.Glu640Gln)

Gene: CYFIP2 (cytoplasmic FMR1 interacting protein 2; plus strand). Cytogenetic location: 5q33.3.
Variant type: single nucleotide variant.
Coding change: c.1918G>C on transcript NM_001037333.3 (MANE Select); coding-DNA position 1918, G replaced by C.
Protein change: p.Glu640Gln; replaces glutamic acid 640 with glutamine.
Molecular consequence: missense variant.
Genome position (GRCh38, 1-based): chr5:157,325,574, G>C. VCF-style: chr5-157325574-G-C. GRCh37 (hg19) VCF-style: chr5-156752582-G-C.
Other names: c.1840G>C, p.Glu614Gln (NM_001291721.2); c.1993G>C, p.Glu665Gln (NM_001291722.2); c.1918G>C, p.Glu640Gln (NM_014376.4); short protein forms E614Q, E640Q, E665Q.
Identifiers: ClinVar variation 3901935 (VCV003901935.1).
Genomic context (GRCh38, chr5:157,325,574, plus strand): 5'-CTCTGGTTCCGAGAATTCTTCCTGGAGTTAACCATGGGCCGACGAATCCAGTTCCCCATC[G>C]AGATGTCCATGCCCTGGATTCTAACGGACCATATCCTGGAAACCAAAGAACCTTCCATGA-3'
Protein context (NP_001032410.1, residues 630-650): TMGRRIQFPI[Glu640Gln]MSMPWILTDH